The following is an entry in ClinVar:

ClinVar aggregate classification (germline): Uncertain significance (1 of 4 stars; one submission).

gnomAD v4.1: 13 of 1,614,120 alleles (0.00081%); highest among the groups gnomAD compares: South Asian, 0.0022%; no homozygotes.

Submission:

Labcorp Genetics (formerly Invitae), Labcorp
Classification: Uncertain significance. Last evaluated: 2024-10-07. Review status: criteria provided, single submitter. Criteria: Invitae Variant Classification Sherloc (09022015). Collection method: clinical testing. Allele origin: germline.
Comment: This sequence change replaces arginine, which is basic and polar, with glutamine, which is neutral and polar, at codon 496 of the ABCA1 protein (p.Arg496Gln). This variant is present in population databases (rs562901144, gnomAD 0.003%). This variant has not been reported in the literature in individuals affected with ABCA1-related conditions. Invitae Evidence Modeling of protein sequence and biophysical properties (such as structural, functional, and spatial information, amino acid conservation, physicochemical variation, residue mobility, and thermodynamic stability) indicates that this missense variant is not expected to disrupt ABCA1 protein function with a negative predictive value of 95%. In summary, the available evidence is currently insufficient to determine the role of this variant in disease. Therefore, it has been classified as a Variant of Uncertain Significance.

NM_005502.4(ABCA1):c.1487G>A (p.Arg496Gln)

Gene: ABCA1 (ATP binding cassette subfamily A member 1; minus strand). Cytogenetic location: 9q31.1.
Variant type: single nucleotide variant.
Coding change: c.1487G>A on transcript NM_005502.4 (MANE Select); coding-DNA position 1487, G replaced by A.
Protein change: p.Arg496Gln; replaces arginine 496 with glutamine.
Molecular consequence: missense variant.
Genome position (GRCh38, 1-based): chr9:104,832,596, C>T on the plus strand (G>A on the coding strand, the complement: ABCA1 is on the minus strand). VCF-style: chr9-104832596-C-T. GRCh37 (hg19) VCF-style: chr9-107594877-C-T.
Other names: short protein forms R496Q.
Identifiers: ClinVar variation 3610593 (VCV003610593.2).
Genomic context (GRCh38, chr9:104,832,596, plus strand): 5'-GTTAAGTCTTTTCTAAATGATCCCAGCAACAGATTCACCTCCATGAAGCGAGATATGGTC[C>T]GGATTGCCTGGTTAGTCTCGTTGAAAGCTTCTCTCCAGGTGTACACAGAACCATTACTGG-3'
Protein context (NP_005493.2, residues 486-506): EAFNETNQAI[Arg496Gln]TISRFMECVN